The following is an entry in ClinVar:

NM_001849.4(COL6A2):c.343C>T (p.Arg115Trp)

Gene: COL6A2 (collagen type VI alpha 2 chain; plus strand). Cytogenetic location: 21q22.3.
Variant type: single nucleotide variant.
Coding change: c.343C>T on transcript NM_001849.4 (MANE Select); coding-DNA position 343, C replaced by T.
Protein change: p.Arg115Trp; replaces arginine 115 with tryptophan.
Molecular consequence: missense variant.
Genome position (GRCh38, 1-based): chr21:46,112,206, C>T. VCF-style: chr21-46112206-C-T. GRCh37 (hg19) VCF-style: chr21-47532120-C-T.
Other names: c.343C>T, p.Arg115Trp (NM_058174.3, NM_058175.3); short protein forms R115W.
Identifiers: ClinVar variation 4696168 (VCV004696168.1).
Genomic context (GRCh38, chr21:46,112,206, plus strand): 5'-CGCTACGGCGGCCTGCACTTCTCTGACCAGGTGGAGGTGTTCAGCCCACCGGGCAGCGAC[C>T]GGGCCTCCTTCATCAAGAACCTGCAGGGCATCAGCTCCTTCCGCCGCGGCACCTTCACCG-3'
Protein context (NP_001840.3, residues 105-125): VEVFSPPGSD[Arg115Trp]ASFIKNLQGI

ClinVar aggregate classification (germline): Uncertain significance (1 of 4 stars; one submission).

Conditions:
Bethlem myopathy 1A. Also called: MYOPATHY, BENIGN CONGENITAL, WITH CONTRACTURES; Bethlem myopathy 1; Bethlem Muscular Dystrophy. Identifiers: Orphanet 610, MedGen CN029274, MONDO:0024530, OMIM 158810.

gnomAD v4.1: 29 of 1,612,808 alleles (0.0018%); highest among the groups gnomAD compares: East Asian, 0.0067%; no homozygotes.

Submission:

Labcorp Genetics (formerly Invitae), Labcorp
Classification: Uncertain significance for Bethlem myopathy 1A. Last evaluated: 2025-11-18. Review status: criteria provided, single submitter. Criteria: Invitae Variant Classification Sherloc (09022015). Collection method: clinical testing. Allele origin: germline.
Comment: This sequence change replaces arginine, which is basic and polar, with tryptophan, which is neutral and slightly polar, at codon 115 of the COL6A2 protein (p.Arg115Trp). This variant is present in population databases (rs775799847, gnomAD 0.003%). This variant has not been reported in the literature in individuals affected with COL6A2-related conditions. Invitae Evidence Modeling of protein sequence and biophysical properties (such as structural, functional, and spatial information, amino acid conservation, physicochemical variation, residue mobility, and thermodynamic stability) indicates that this missense variant is not expected to disrupt COL6A2 protein function with a negative predictive value of 80%. In summary, the available evidence is currently insufficient to determine the role of this variant in disease. Therefore, it has been classified as a Variant of Uncertain Significance.